The following is an entry in ClinVar:

ClinVar aggregate classification (germline): Uncertain significance (1 of 4 stars; one submission).

Conditions:
Inborn genetic diseases. Identifiers: MedGen C0950123, MeSH D030342.

Submission:

Ambry Genetics
Classification: Uncertain significance for Inborn genetic diseases. Last evaluated: 2020-12-28. Review status: criteria provided, single submitter. Criteria: Ambry Variant Classification Scheme 2023. Collection method: clinical testing. Allele origin: germline.
Comment: The c.1899G>C (p.L633F) alteration is located in exon 3 (coding exon 3) of the SETD2 gene. This alteration results from a G to C substitution at nucleotide position 1899, causing the leucine (L) at amino acid position 633 to be replaced by a phenylalanine (F). The p.L633F alteration is predicted to be tolerated by in silico analysis. Based on insufficient or conflicting evidence, the clinical significance of this alteration remains unclear.

NM_014159.7(SETD2):c.1899G>C (p.Leu633Phe)

Gene: SETD2 (SET domain containing 2, histone lysine methyltransferase; minus strand). Cytogenetic location: 3p21.31.
Variant type: single nucleotide variant.
Coding change: c.1899G>C on transcript NM_014159.7 (MANE Select); coding-DNA position 1899, G replaced by C.
Protein change: p.Leu633Phe; replaces leucine 633 with phenylalanine.
Molecular consequence: missense variant. On other transcripts: non-coding transcript variant (1).
Genome position (GRCh38, 1-based): chr3:47,122,737, C>G on the plus strand (G>C on the coding strand, the complement: SETD2 is on the minus strand). VCF-style: chr3-47122737-C-G. GRCh37 (hg19) VCF-style: chr3-47164227-C-G.
Other names: c.1767G>C, p.Leu589Phe (NM_001349370.3); short protein forms L589F, L633F.
Identifiers: ClinVar variation 2228467 (VCV002228467.2), dbSNP rs1575816326, ClinGen allele CA352528446.
Genomic context (GRCh38, chr3:47,122,737, plus strand): 5'-GTCTAATTCCTTAATACTATCATGGCTATCATGTGTTATAAATTCGGACTTAAAAATAGG[C>G]AATTCATCTAGCTTTTTTAAAGTAGGTGAATCATTTAATCGATTTGATGGAGCTGGAGAC-3'
Protein context (NP_054878.5, residues 623-643): DSPTLKKLDE[Leu633Phe]PIFKSEFITH